The following is an entry in ClinVar:

NM_000179.3(MSH6):c.4011_4021dup (p.Glu1341fs)

Gene: MSH6 (mutS homolog 6; plus strand). Cytogenetic location: 2p16.3.
Variant type: Duplication.
Coding change: c.4011_4021dup on transcript NM_000179.3 (MANE Select); coding-DNA positions 4011 to 4021, 11 bases duplicated (CCTGGCTAGTG).
Protein change: p.Glu1341fs; shifts the reading frame from glutamic acid 1341.
Molecular consequence: frameshift variant.
Genome position (GRCh38, 1-based): chr2:47,806,788-47,806,798, CCTGGCTAGTG duplicated; duplicating any 11 consecutive bases within chr2:47,806,786-47,806,798 gives the same sequence; the c. name uses the placement nearest the transcript's 3' end. VCF-style (leftmost placement, unchanged base first): chr2-47806785-T-TTGCCTGGCTAG. GRCh37 (hg19) VCF-style: chr2-48033924-T-TTGCCTGGCTAG.
Other names: c.3621_3631dup, p.Glu1211fs (NM_001281492.2); c.3105_3115dup, p.Glu1039fs (NM_001281493.2, NM_001281494.2); c.4107_4117dup, p.Glu1373Alafs (NM_001406795.1); c.4011_4021dup, p.Glu1341Alafs (NM_001406796.1, NM_001406809.1); c.3714_3724dup, p.Glu1242Alafs (NM_001406797.1, NM_001406805.1, NM_001406818.1 and 8 more transcripts); c.3837_3847dup, p.Glu1283Alafs (NM_001406798.1); c.3486_3496dup, p.Glu1166Alafs (NM_001406799.1, NM_001406806.1, NM_001406807.1); c.*32_*42dup (NM_001406800.1); and 12 more; short protein forms E1039fs, E1341fs, E1211fs.
Identifiers: ClinVar variation 2035325 (VCV002035325.4), dbSNP rs2530891706, ClinGen allele CA2580067590.

ClinVar aggregate classification (germline): Uncertain significance (1 of 4 stars; one submission).

Conditions:
Hereditary nonpolyposis colorectal neoplasms. Identifiers: MedGen C0009405, MeSH D003123.

Submission:

Labcorp Genetics (formerly Invitae), Labcorp
Classification: Uncertain significance for Hereditary nonpolyposis colorectal neoplasms. Last evaluated: 2022-10-13. Review status: criteria provided, single submitter. Criteria: Invitae Variant Classification Sherloc (09022015). Collection method: clinical testing. Allele origin: germline.
Comment: In summary, the available evidence is currently insufficient to determine the role of this variant in disease. Therefore, it has been classified as a Variant of Uncertain Significance. Experimental studies and prediction algorithms are not available or were not evaluated, and the functional significance of this variant is currently unknown. This variant has not been reported in the literature in individuals affected with MSH6-related conditions. This variant is not present in population databases (gnomAD no frequency). This sequence change creates a premature translational stop signal (p.Glu1341Alafs*9) in the MSH6 gene. While this is not anticipated to result in nonsense mediated decay, it is expected to disrupt the last 20 amino acid(s) of the MSH6 protein.